The following is an entry in ClinVar:

ClinVar aggregate classification (germline): Uncertain significance (1 of 4 stars; one submission).

Submission:

GeneDx
Classification: Uncertain significance. Last evaluated: 2026-02-12. Review status: criteria provided, single submitter. Criteria: GeneDx Variant Classification Process June 2021. Collection method: clinical testing. Allele origin: germline.
Comment: Not observed at significant frequency in large population cohorts (gnomAD); Intronic +5 splice site variant in a gene for which loss of function is a known mechanism of disease, and both splice predictors and evolutionary conservation support a deleterious effect, although in the absence of functional evidence the actual effect of this sequence change is unknown.; Has not been previously published as pathogenic or benign to our knowledge

NM_001844.5(COL2A1):c.342+5G>C

Gene: COL2A1 (collagen type II alpha 1 chain; minus strand). Cytogenetic location: 12q13.11.
Variant type: single nucleotide variant.
Coding change: c.342+5G>C on transcript NM_001844.5 (MANE Select); 5 bases into the intron after coding-DNA position 342, G replaced by C.
Molecular consequence: intron variant.
Genome position (GRCh38, 1-based): chr12:47,998,164, C>G on the plus strand (G>C on the coding strand, the complement: COL2A1 is on the minus strand). VCF-style: chr12-47998164-C-G. GRCh37 (hg19) VCF-style: chr12-48391947-C-G.
Other names: c.135+5G>C (NM_033150.3).
Identifiers: ClinVar variation 4976580 (VCV004976580.1).